The following is an entry in ClinVar:

ClinVar aggregate classification (germline): Uncertain significance (1 of 4 stars; one submission).

Conditions:
Inborn genetic diseases. Identifiers: MedGen C0950123, MeSH D030342.

Submission:

Ambry Genetics
Classification: Uncertain significance for Inborn genetic diseases. Last evaluated: 2025-10-01. Review status: criteria provided, single submitter. Criteria: Ambry Variant Classification Scheme 2023. Collection method: clinical testing. Allele origin: germline.
Comment: The p.S606G variant (also known as c.1816A>G), located in coding exon 18 of the ANKRD26 gene, results from an A to G substitution at nucleotide position 1816. The serine at codon 606 is replaced by glycine, an amino acid with similar properties. This amino acid position is conserved. In addition, this alteration is predicted to be tolerated by in silico analysis. Based on the available evidence, the clinical significance of this variant remains unclear.

NM_014915.3(ANKRD26):c.1816A>G (p.Ser606Gly)

Gene: ANKRD26 (ankyrin repeat domain 26; minus strand). Cytogenetic location: 10p12.1.
Variant type: single nucleotide variant.
Coding change: c.1816A>G on transcript NM_014915.3 (MANE Select); coding-DNA position 1816, A replaced by G.
Protein change: p.Ser606Gly; replaces serine 606 with glycine.
Molecular consequence: missense variant. On other transcripts: splice acceptor variant (1).
Genome position (GRCh38, 1-based): chr10:27,046,522, T>C on the plus strand (A>G on the coding strand, the complement: ANKRD26 is on the minus strand). VCF-style: chr10-27046522-T-C. GRCh37 (hg19) VCF-style: chr10-27335451-T-C.
Other names: c.1815-2A>G (NM_001256053.2); short protein forms S606G.
Identifiers: ClinVar variation 4579054 (VCV004579054.1).